The following is an entry in ClinVar:

ClinVar aggregate classification (germline): Conflicting classifications of pathogenicity. Review status: criteria provided, conflicting classifications (1 of 4 stars). 9 submissions from 8 submitters: Uncertain significance (1); Benign (3); Likely benign (4). 1 of the submissions does not count toward it. Last evaluated 2026-10-01.

Conditions:
DCTN1-related disorder. Also called: DCTN1-related condition.
Inborn genetic diseases. Identifiers: MedGen C0950123, MeSH D030342.
Perry syndrome. Also called: PARKINSONISM WITH ALVEOLAR HYPOVENTILATION AND MENTAL DEPRESSION. Identifiers: Orphanet 178509, MedGen C1868594, MONDO:0008201, OMIM 168605.
Neuronopathy, distal hereditary motor, type 7B. Also called: HMN VIIB; LOWER MOTOR NEURON DISEASE, DYNACTIN TYPE; NEURONOPATHY, DISTAL HEREDITARY MOTOR, AUTOSOMAL DOMINANT 14; NEURONOPATHY, DISTAL HEREDITARY MOTOR, HARDING TYPE VIIB; NEUROPATHY, DISTAL HEREDITARY MOTOR, HARDING TYPE VIIB; NEUROPATHY, DISTAL HEREDITARY MOTOR, WITH VOCAL CORD PARALYSIS, HARDING TYPE VIIB. Identifiers: Orphanet 139589, MedGen C1843315, MONDO:0011879, OMIM 607641.
Amyotrophic lateral sclerosis type 1 (ALS1). Also called: AMYOTROPHIC LATERAL SCLEROSIS 1, FAMILIAL. Identifiers: Orphanet 803, MedGen C1862939, MONDO:0007103, OMIM 105400.

Allele frequency attached by ClinVar (database versions not stated): TOPMed 0.00026; gnomAD 0.00027 and 0.00029; gnomAD exomes 0.00027 and 0.00055; ESP Exome Variant Server 0.00031; ExAC 0.00044.
gnomAD v4.1: 470 of 1,614,112 alleles (0.029%); highest among the groups gnomAD compares: Admixed American, 0.023%; 1 homozygote.

Submissions (9):

CeGaT Center for Human Genetics Tuebingen
Classification: Uncertain significance. Last evaluated: 2026-10-01. Review status: criteria provided, single submitter. Criteria: CeGaT Center For Human Genetics Tuebingen Variant Classification Criteria Version 2. Collection method: clinical testing. Allele origin: germline. Affected: yes. Observed: 1 variant allele.

Labcorp Genetics (formerly Invitae), Labcorp
Classification: Benign for Amyotrophic lateral sclerosis type 1; Neuronopathy, distal hereditary motor, type 7B; Perry syndrome. Last evaluated: 2026-02-01. Review status: criteria provided, single submitter. Criteria: Invitae Variant Classification Sherloc (09022015). Collection method: clinical testing. Allele origin: germline.

ARUP Laboratories, Molecular Genetics and Genomics, ARUP Laboratories
Classification: Likely benign. Last evaluated: 2021-10-21. Review status: criteria provided, single submitter. Criteria: ARUP Molecular Germline Variant Investigation Process 2021. Collection method: clinical testing. Allele origin: germline.

Fulgent Genetics
Classification: Likely benign for Amyotrophic lateral sclerosis type 1; Perry syndrome; Neuronopathy, distal hereditary motor, type 7B. Last evaluated: 2021-10-07. Review status: criteria provided, single submitter. Criteria: ACMG Guidelines, 2015. Collection method: clinical testing. Allele origin: unknown.

GeneDx
Classification: Benign. Last evaluated: 2021-04-15. Review status: criteria provided, single submitter. Criteria: GeneDx Variant Classification Process June 2021. Collection method: clinical testing. Allele origin: germline. Affected: yes.
Comment: This variant is associated with the following publications: (PMID: 27132499, 25382069)

Ambry Genetics
Classification: Likely benign for Inborn genetic diseases. Last evaluated: 2020-03-23. Review status: criteria provided, single submitter. Criteria: Ambry Variant Classification Scheme 2023. Collection method: clinical testing. Allele origin: germline.

Illumina Laboratory Services, Illumina
Classification: Benign for Perry syndrome. Last evaluated: 2017-04-27. Review status: criteria provided, single submitter. Criteria: ICSL Variant Classification Criteria 13 December 2019. Collection method: clinical testing. Allele origin: germline.
Comment: This variant was observed as part of a predisposition screen in an ostensibly healthy population. A literature search was performed for the gene, cDNA change, and amino acid change (where applicable). No publications were found based on this search. Allele frequency data from public databases was too high to be consistent with this variant causing disease. Therefore, this variant is classified as benign.

Illumina Laboratory Services, Illumina
Classification: Likely benign for Neuronopathy, distal hereditary motor, type 7B. Last evaluated: 2017-04-27. Review status: criteria provided, single submitter. Criteria: ICSL Variant Classification Criteria 13 December 2019. Collection method: clinical testing. Allele origin: germline.
Comment: This variant was observed as part of a predisposition screen in an ostensibly healthy population. A literature search was performed for the gene, cDNA change, and amino acid change (where applicable). No publications were found based on this search. Allele frequency data from public databases allowed determination this variant is unlikely to cause disease. Therefore, this variant is classified as likely benign.

PreventionGenetics, part of Exact Sciences
Classification: Likely benign for DCTN1-related condition. Last evaluated: 2021-02-09. Review status: no assertion criteria provided. Collection method: clinical testing. Allele origin: germline. Not counted in ClinVar's aggregate classification.
Comment: This variant is classified as likely benign based on ACMG/AMP sequence variant interpretation guidelines (Richards et al. 2015 PMID: 25741868, with internal and published modifications).

NM_004082.5(DCTN1):c.2805C>G (p.Ile935Met)

Gene: DCTN1 (dynactin subunit 1; minus strand). Cytogenetic location: 2p13.1.
Variant type: single nucleotide variant.
Coding change: c.2805C>G on transcript NM_004082.5 (MANE Select); coding-DNA position 2805, C replaced by G.
Protein change: p.Ile935Met; replaces isoleucine 935 with methionine.
Molecular consequence: missense variant. On other transcripts: non-coding transcript variant (1).
Genome position (GRCh38, 1-based): chr2:74,365,974, G>C on the plus strand (C>G on the coding strand, the complement: DCTN1 is on the minus strand). VCF-style: chr2-74365974-G-C. GRCh37 (hg19) VCF-style: chr2-74593101-G-C.
Other names: c.2745C>G, p.Ile915Met (NM_001135040.3); c.2403C>G, p.Ile801Met (NM_001135041.3, NM_023019.4); c.2694C>G, p.Ile898Met (NM_001190836.2); c.2784C>G, p.Ile928Met (NM_001190837.2); c.2754C>G, p.Ile918Met (NM_001378991.1); c.2736C>G, p.Ile912Met (NM_001378992.1); short protein forms I801M, I898M, I935M, I928M, I915M, I912M, I918M.
Identifiers: ClinVar variation 468268 (VCV000468268.30), dbSNP rs145130328, ClinGen allele CA1721710.